The following is an entry in ClinVar:

ClinVar aggregate classification (germline): Uncertain significance (1 of 4 stars; one submission).

Submission:

GeneDx
Classification: Uncertain significance. Last evaluated: 2026-02-24. Review status: criteria provided, single submitter. Criteria: GeneDx Variant Classification Process June 2021. Collection method: clinical testing. Allele origin: germline.
Comment: Not observed at significant frequency in large population cohorts (gnomAD); In silico analysis suggests that this missense variant does not alter protein structure/function; Has not been previously published as pathogenic or benign to our knowledge

NM_016111.4(TELO2):c.721C>G (p.Leu241Val)

Gene: TELO2 (telomere maintenance 2; plus strand). Cytogenetic location: 16p13.3.
Variant type: single nucleotide variant.
Coding change: c.721C>G on transcript NM_016111.4 (MANE Select); coding-DNA position 721, C replaced by G.
Protein change: p.Leu241Val; replaces leucine 241 with valine.
Molecular consequence: missense variant.
Genome position (GRCh38, 1-based): chr16:1,497,399, C>G. VCF-style: chr16-1497399-C-G. GRCh37 (hg19) VCF-style: chr16-1547400-C-G.
Other names: c.721C>G, p.Leu241Val (NM_001351846.2); short protein forms L241V.
Identifiers: ClinVar variation 5010118 (VCV005010118.1).
Genomic context (GRCh38, chr16:1,497,399, plus strand): 5'-GGTCCTCCGTCTGTCCCCTCAGAGGAGATCCTGGGCGTGCTGGTACCCCGGCTGGCAGCG[C>G]TCACCCAGGGCAGCTACCTGCACCAGCGCGTCTGCTGGCGCCTGGTGGAGCAAGTGCCGG-3'
Protein context (NP_057195.2, residues 231-251): LGVLVPRLAA[Leu241Val]TQGSYLHQRV